The following is an entry in ClinVar:

NM_007294.4(BRCA1):c.5278-10C>T

Gene: BRCA1 (BRCA1 DNA repair associated; minus strand). Cytogenetic location: 17q21.31.
Variant type: single nucleotide variant.
Coding change: c.5278-10C>T on transcript NM_007294.4 (MANE Select); 10 bases into the intron before coding-DNA position 5278, C replaced by T.
Molecular consequence: intron variant.
Genome position (GRCh38, 1-based): chr17:43,051,127, G>A on the plus strand (C>T on the coding strand, the complement: BRCA1 is on the minus strand). VCF-style: chr17-43051127-G-A. GRCh37 (hg19) VCF-style: chr17-41203144-G-A.
Other names: c.1825-10C>T (NM_001408458.1, NM_001408461.1, NM_001408464.1 and 7 more transcripts); c.4387-10C>T (NM_001407967.1); c.4897-10C>T (NM_001407959.1); c.5011-10C>T (NM_001407931.1, NM_001407932.1, NM_001407928.1 and 4 more transcripts); c.5134-10C>T (NM_001407747.1, NM_001407745.1, NM_001407737.1 and 21 more transcripts); c.4894-10C>T (NM_001407962.1, NM_001407960.1); c.1465-10C>T (NM_001408512.1); c.1588-10C>T (NM_001408510.1); and 74 more.
Identifiers: ClinVar variation 865254 (VCV000865254.5), dbSNP rs2051216895, ClinGen allele CA916081071.

ClinVar aggregate classification (germline): Likely benign (1 of 4 stars; one submission).

Conditions:
Hereditary breast ovarian cancer syndrome. Also called: Hereditary breast and/or ovarian cancer syndrome; BRCA1- and BRCA2-Associated Hereditary Breast and Ovarian Cancer; Hereditary breast and ovarian cancer syndrome; Hereditary breast and ovarian cancer; Hereditary breast and ovarian cancer syndrome (HBOC); Breast and ovarian cancer. Identifiers: Orphanet 145, MedGen C0677776, MeSH D061325, MONDO:0003582. Disease mechanism: loss of function.

Submissions (2):

Labcorp Genetics (formerly Invitae), Labcorp
Classification: Likely benign for Hereditary breast ovarian cancer syndrome. Last evaluated: 2024-07-09. Review status: criteria provided, single submitter. Criteria: Invitae Variant Classification Sherloc (09022015). Collection method: clinical testing. Allele origin: germline.

Brotman Baty Institute, University of Washington
No classification provided (evidence only). Condition: Breast-ovarian cancer, familial 1. Review status: no classification provided. Collection method: in vitro. Allele origin: not applicable. Functional consequence: functionally_normal. Not counted in ClinVar's aggregate classification.
ClinVar note: "not provided" was previously submitted as the classification for the variant. However, the classification appeared to be based only on an observation of functional data so it was converted to no classification on 2025-07-30.